The following is an entry in ClinVar:

ClinVar aggregate classification (germline): Likely benign. Review status: criteria provided, multiple submitters, no conflicts (2 of 4 stars). 3 submissions from 3 submitters: Likely benign (2). 1 of the submissions does not count toward it. Last evaluated 2025-08-03.

Conditions:
DLC1-related disorder. Also called: DLC1-related condition.

Allele frequency attached by ClinVar (database versions not stated): 1000 Genomes Project 30x 0.00016; 1000 Genomes Project 0.00020; ESP Exome Variant Server 0.00023; ExAC 0.00026; gnomAD 0.00027; gnomAD exomes 0.00031; TOPMed 0.00039.
gnomAD v4.1: 482 of 1,614,270 alleles (0.03%); highest among the groups gnomAD compares: Admixed American, 0.05%; no homozygotes.

Submissions (3):

Labcorp Genetics (formerly Invitae), Labcorp
Classification: Likely benign. Last evaluated: 2025-08-03. Review status: criteria provided, single submitter. Criteria: Invitae Variant Classification Sherloc (09022015). Collection method: clinical testing. Allele origin: germline.

Blueprint Genetics
Classification: Likely benign. Last evaluated: 2024-09-10. Review status: criteria provided, single submitter. Criteria: ACMG Guidelines, 2015. Collection method: clinical testing. Allele origin: germline.

PreventionGenetics, part of Exact Sciences
Classification: Likely benign for DLC1-related condition. Last evaluated: 2019-05-22. Review status: no assertion criteria provided. Collection method: clinical testing. Allele origin: germline. Not counted in ClinVar's aggregate classification.
Comment: This variant is classified as likely benign based on ACMG/AMP sequence variant interpretation guidelines (Richards et al. 2015 PMID: 25741868, with internal and published modifications).

NM_182643.3(DLC1):c.3270G>A (p.Pro1090=)

Gene: DLC1 (DLC1 Rho GTPase activating protein; minus strand). Cytogenetic location: 8p22.
Variant type: single nucleotide variant.
Coding change: c.3270G>A on transcript NM_182643.3 (MANE Select); coding-DNA position 3270, G replaced by A.
Protein change: p.Pro1090=; no amino-acid change (proline 1090 retained).
Molecular consequence: synonymous variant.
Genome position (GRCh38, 1-based): chr8:13,095,143, C>T on the plus strand (G>A on the coding strand, the complement: DLC1 is on the minus strand). VCF-style: chr8-13095143-C-T. GRCh37 (hg19) VCF-style: chr8-12952652-C-T.
Other names: c.2061G>A, p.Pro687= (NM_001413129.1, NM_001316668.2); c.2052G>A, p.Pro684= (NM_001413130.1); c.1710G>A, p.Pro570= (NM_001413131.1, NM_001413137.1); c.2196G>A, p.Pro732= (NM_001413132.1); c.1737G>A, p.Pro579= (NM_001413133.1, NM_001413138.1, NM_001164271.2 and 6 more transcripts); c.1959G>A, p.Pro653= (NM_001413135.1, NM_001413136.1, NM_001413139.1 and 1 more transcripts); c.2094G>A, p.Pro698= (NM_001413140.1); c.3270G>A, p.Pro1090= (NM_001348081.2, NM_001413124.1); and 1 more.
Identifiers: ClinVar variation 2054151 (VCV002054151.7), dbSNP rs138098839, ClinGen allele CA4638402.